The following is an entry in ClinVar:

ClinVar aggregate classification (germline): Uncertain significance. Review status: criteria provided, multiple submitters, no conflicts (2 of 4 stars). 4 submissions from 4 submitters: Uncertain significance (2). 2 of the submissions do not count toward it. Last evaluated 2024-03-18.

Conditions:
Lymphatic malformation 6 (LMPHM6). Also called: PIEZO1-related generalized lymphatic dysplasia with non-immune hydrops fetalis; GENERALIZED LYMPHATIC DYSPLASIA OF FOTIOU; Lymphedema, hereditary, III. Identifiers: Orphanet 568062, MedGen C4225184, MONDO:0014797, OMIM 616843.
PIEZO1-related disorder. Also called: PIEZO1-Related Disorders; PIEZO1-related condition.

Allele frequency attached by ClinVar (database versions not stated): TOPMed 0.00002; gnomAD 0.00003.
gnomAD v4.1: 51 of 1,550,544 alleles (0.0033%); highest among the groups gnomAD compares: Non-Finnish European, 0.0044%; no homozygotes.

Submissions (4):

Revvity Omics, Revvity
Classification: Uncertain significance. Last evaluated: 2024-03-18. Review status: criteria provided, single submitter. Criteria: ACMG Guidelines, 2015. Collection method: clinical testing. Allele origin: germline.

Blueprint Genetics
Classification: Uncertain significance. Last evaluated: 2021-02-09. Review status: criteria provided, single submitter. Criteria: ACMG Guidelines, 2015. Collection method: clinical testing. Allele origin: germline.

PreventionGenetics, part of Exact Sciences
Classification: Uncertain significance for PIEZO1-related condition. Last evaluated: 2024-06-20. Review status: no assertion criteria provided. Collection method: clinical testing. Allele origin: germline. Not counted in ClinVar's aggregate classification.
Comment: The PIEZO1 c.6511G>T variant is predicted to result in the amino acid substitution p.Val2171Phe. This variant along with a PIEZO1 splicing variant were reported in an individual with lymphatic dysplasia with non-immune hydrops fetalis (see Patient GLD3 in Table 1, Fotiou et al 2015. PubMed ID: 26333996). This variant is reported in 0.0052% of alleles in individuals of European (Non-Finnish) descent in gnomAD. At this time, the clinical significance of this variant is uncertain due to the absence of conclusive functional and genetic evidence.

OMIM
Classification: Pathogenic for LYMPHATIC MALFORMATION 6. Last evaluated: 2024-02-20. Review status: no assertion criteria provided. Collection method: literature only. Allele origin: germline. Not counted in ClinVar's aggregate classification.

Literature cited by the submitters: PubMed 26333996 (cited by OMIM).

NM_001142864.4(PIEZO1):c.6511G>T (p.Val2171Phe)

Gene: PIEZO1 (piezo type mechanosensitive ion channel component 1 (Er blood group); minus strand). Cytogenetic location: 16q24.3.
Variant type: single nucleotide variant.
Coding change: c.6511G>T on transcript NM_001142864.4 (MANE Select); coding-DNA position 6511, G replaced by T.
Protein change: p.Val2171Phe; replaces valine 2171 with phenylalanine.
Molecular consequence: missense variant.
Genome position (GRCh38, 1-based): chr16:88,717,172, C>A on the plus strand (G>T on the coding strand, the complement: PIEZO1 is on the minus strand). VCF-style: chr16-88717172-C-A. GRCh37 (hg19) VCF-style: chr16-88783580-C-A.
Other names: c.6511G>T (NM_001142864.3); c.6511G>T, p.Val2171Phe (LRG_1137t1); short protein forms V2171F.
Identifiers: ClinVar variation 223131 (VCV000223131.9), dbSNP rs370296725, ClinGen allele CA083444.